The following is an entry in ClinVar:

ClinVar aggregate classification (germline): Likely pathogenic (1 of 4 stars; one submission).

Submission:

GeneDx
Classification: Likely pathogenic. Last evaluated: 2020-09-09. Review status: criteria provided, single submitter. Criteria: GeneDx Variant Classification (06012015). Collection method: clinical testing. Allele origin: germline. Affected: yes.

NM_005499.3(UBA2):c.167A>C (p.Asn56Thr)

Gene: UBA2 (ubiquitin like modifier activating enzyme 2; plus strand). Cytogenetic location: 19q13.11.
Variant type: single nucleotide variant.
Coding change: c.167A>C on transcript NM_005499.3 (MANE Select); coding-DNA position 167, A replaced by C.
Protein change: p.Asn56Thr; replaces asparagine 56 with threonine.
Molecular consequence: missense variant.
Genome position (GRCh38, 1-based): chr19:34,430,604, A>C. VCF-style: chr19-34430604-A-C. GRCh37 (hg19) VCF-style: chr19-34921509-A-C.
Other names: short protein forms N56T.
Identifiers: ClinVar variation 979177 (VCV000979177.1), dbSNP rs2075242496, ClinGen allele CA405253842.